The following is an entry in ClinVar:

NM_017514.5(PLXNA3):c.779_800del (p.Ser260fs)

Gene: PLXNA3 (plexin A3; plus strand). Cytogenetic location: Xq28.
Variant type: Deletion.
Coding change: c.779_800del on transcript NM_017514.5 (MANE Select); coding-DNA positions 779 to 800, 22 bases deleted (CCAAGATCGTGCGCATGTGCGC).
Protein change: p.Ser260fs; shifts the reading frame from serine 260.
Molecular consequence: frameshift variant.
Genome position (GRCh38, 1-based): chrX:154,461,283-154,461,304, CCAAGATCGTGCGCATGTGCGC deleted. VCF-style (leftmost placement, unchanged base first): chrX-154461282-TCCAAGATCGTGCGCATGTGCGC-T. GRCh37 (hg19) VCF-style: chrX-153689622-TCCAAGATCGTGCGCATGTGCGC-T.
Other names: short protein forms S260fs.
Identifiers: ClinVar variation 4998693 (VCV004998693.1).

ClinVar aggregate classification (germline): Uncertain significance (1 of 4 stars; one submission).

Conditions:
PLXNA3-related disorder. Also called: PLXNA3-related condition.

Submission:

PreventionGenetics, part of Exact Sciences
Classification: Uncertain significance for PLXNA3-related condition. Last evaluated: 2025-07-16. Review status: criteria provided, single submitter. Criteria: ACMG Guidelines, 2015. Collection method: clinical testing. Allele origin: germline.
Comment: The PLXNA3 c.779_800del22 variant is predicted to result in a frameshift and premature protein termination (p.Ser260Trpfs*103). To our knowledge, this variant has not been reported in the literature or in a large population database (gnomAD), indicating this variant is rare. At this time, the clinical significance of this variant is uncertain due to the absence of conclusive functional and genetic evidence.